The following is an entry in ClinVar:

NM_001563.4(IMPG1):c.1841G>A (p.Arg614Gln)

Gene: IMPG1 (interphotoreceptor matrix proteoglycan 1; minus strand). Cytogenetic location: 6q14.1.
Variant type: single nucleotide variant.
Coding change: c.1841G>A on transcript NM_001563.4 (MANE Select); coding-DNA position 1841, G replaced by A.
Protein change: p.Arg614Gln; replaces arginine 614 with glutamine.
Molecular consequence: missense variant.
Genome position (GRCh38, 1-based): chr6:75,947,517, C>T on the plus strand (G>A on the coding strand, the complement: IMPG1 is on the minus strand). VCF-style: chr6-75947517-C-T. GRCh37 (hg19) VCF-style: chr6-76657234-C-T.
Other names: c.1841G>A (NM_001563.2); c.1607G>A, p.Arg536Gln (NM_001282368.2); short protein forms R536Q, R614Q.
Identifiers: ClinVar variation 957587 (VCV000957587.11), dbSNP rs371118175, ClinGen allele CA3898023.
Genomic context (GRCh38, chr6:75,947,517, plus strand): 5'-ATCACACTCCCGTTTCTGAAGTTAAGTATTTCAAGTTGCTTAAATCCTGTAAGATTGGAT[C>T]GTAGATATGGAACCAGCTGCAAAATAAAAGATGGTTTCCTCTTAACTGTGTTCTAAGTGC-3'
Protein context (NP_001554.2, residues 604-624): QFTQLLVPYL[Arg614Gln]SNLTGFKQLE

ClinVar aggregate classification (germline): Conflicting classifications of pathogenicity. Review status: criteria provided, conflicting classifications (1 of 4 stars). 4 submissions from 4 submitters: Uncertain significance (3); Likely benign (1). Last evaluated 2026-03-02.

Conditions:
IMPG1-related disorder. Also called: IMPG1-related condition.

Allele frequency attached by ClinVar (database versions not stated): TOPMed 0.00008; 1000 Genomes Project 30x 0.00031; 1000 Genomes Project 0.00040.
gnomAD v4.1: 95 of 1,613,040 alleles (0.0059%); highest among the groups gnomAD compares: South Asian, 0.025%; 1 homozygote.

Submissions (4):

PreventionGenetics, part of Exact Sciences
Classification: Uncertain significance for IMPG1-related condition. Last evaluated: 2026-03-02. Review status: criteria provided, single submitter. Criteria: ACMG Guidelines, 2015. Collection method: clinical testing. Allele origin: germline.
Comment: The IMPG1 c.1841G>A variant is predicted to result in the amino acid substitution p.Arg614Gln. To our knowledge, this variant has not been reported in the literature. This variant is present in 0.028% of alleles in individuals of Latino descent in gnomAD. At this time, the clinical significance of this variant is uncertain due to the absence of conclusive functional and genetic evidence.

Labcorp Genetics (formerly Invitae), Labcorp
Classification: Uncertain significance. Last evaluated: 2026-02-01. Review status: criteria provided, single submitter. Criteria: Invitae Variant Classification Sherloc (09022015). Collection method: clinical testing. Allele origin: germline.
Comment: This sequence change replaces arginine, which is basic and polar, with glutamine, which is neutral and polar, at codon 614 of the IMPG1 protein (p.Arg614Gln). This variant is present in population databases (rs371118175, gnomAD 0.03%). This variant has not been reported in the literature in individuals affected with IMPG1-related conditions. ClinVar contains an entry for this variant (Variation ID: 957587). An algorithm developed to predict the effect of missense changes on protein structure and function outputs the following: PolyPhen-2: "Benign". The glutamine amino acid residue is found in multiple mammalian species, which suggests that this missense change does not adversely affect protein function. In summary, the available evidence is currently insufficient to determine the role of this variant in disease. Therefore, it has been classified as a Variant of Uncertain Significance.

Blueprint Genetics
Classification: Uncertain significance. Last evaluated: 2024-11-11. Review status: criteria provided, single submitter. Criteria: ACMG Guidelines, 2015. Collection method: clinical testing. Allele origin: germline.

Ambry Genetics
Classification: Likely benign. Last evaluated: 2024-06-25. Review status: criteria provided, single submitter. Criteria: Ambry Variant Classification Scheme 2023. Collection method: clinical testing. Allele origin: germline.